The following is an entry in ClinVar:

NM_001267550.2(TTN):c.55735C>A (p.Pro18579Thr)

Genes: TTN (titin; minus strand), TTN-AS1 (TTN antisense RNA 1; plus strand). Cytogenetic location: 2q31.2.
Variant type: single nucleotide variant.
Coding change: c.55735C>A on transcript NM_001267550.2 (MANE Select); coding-DNA position 55735, C replaced by A.
Protein change: p.Pro18579Thr; replaces proline 18579 with threonine.
Molecular consequence: missense variant.
Genome position (GRCh38, 1-based): chr2:178,601,169, G>T on the plus strand (C>A on the coding strand, the complement: TTN is on the minus strand). VCF-style: chr2-178601169-G-T. GRCh37 (hg19) VCF-style: chr2-179465896-G-T.
Other names: c.50812C>A, p.Pro16938Thr (NM_001256850.1); c.28540C>A, p.Pro9514Thr (NM_003319.4); c.48031C>A, p.Pro16011Thr (NM_133378.4); c.28915C>A, p.Pro9639Thr (NM_133432.3); c.29116C>A, p.Pro9706Thr (NM_133437.4); short protein forms P16011T, P16938T, P18579T, P9514T, P9639T, P9706T.
Identifiers: ClinVar variation 3234748 (VCV003234748.20), dbSNP rs912809911, ClinGen allele CA349538175.

ClinVar aggregate classification (germline): Uncertain significance (1 of 4 stars; one submission).

Allele frequency attached by ClinVar (database versions not stated): TOPMed below 0.00001; gnomAD 0.00001.
gnomAD v4.1: 3 of 1,524,798 alleles (0.0002%); highest among the groups gnomAD compares: Non-Finnish European, 0.00018%; no homozygotes.

Submission:

CeGaT Center for Human Genetics Tuebingen
Classification: Uncertain significance. Last evaluated: 2024-04-01. Review status: criteria provided, single submitter. Criteria: CeGaT Center For Human Genetics Tuebingen Variant Classification Criteria Version 2. Collection method: clinical testing. Allele origin: germline. Affected: yes. Observed: 1 variant allele.
Comment: TTN: PM2